The following is an entry in ClinVar:

NM_003458.4(BSN):c.4441T>A (p.Ser1481Thr)

Gene: BSN (bassoon presynaptic cytomatrix protein; plus strand). Cytogenetic location: 3p21.31.
Variant type: single nucleotide variant.
Coding change: c.4441T>A on transcript NM_003458.4 (MANE Select); coding-DNA position 4441, T replaced by A.
Protein change: p.Ser1481Thr; replaces serine 1481 with threonine.
Molecular consequence: missense variant.
Genome position (GRCh38, 1-based): chr3:49,653,997, T>A. VCF-style: chr3-49653997-T-A. GRCh37 (hg19) VCF-style: chr3-49691430-T-A.
Other names: short protein forms S1481T.
Identifiers: ClinVar variation 2653834 (VCV002653834.24), dbSNP rs200382462, ClinGen allele CA2400135.

ClinVar aggregate classification (germline): Likely benign (1 of 4 stars; one submission).

Allele frequency attached by ClinVar (database versions not stated): ESP Exome Variant Server 0.00015; 1000 Genomes Project 30x 0.00016; ExAC 0.00018; 1000 Genomes Project 0.00020; gnomAD 0.00020; gnomAD exomes 0.00020; TOPMed 0.00024.
gnomAD v4.1: 366 of 1,613,666 alleles (0.023%); highest among the groups gnomAD compares: Middle Eastern, 0.63%; 2 homozygotes.

Submission:

CeGaT Center for Human Genetics Tuebingen
Classification: Likely benign. Last evaluated: 2023-09-01. Review status: criteria provided, single submitter. Criteria: CeGaT Center For Human Genetics Tuebingen Variant Classification Criteria Version 2. Collection method: clinical testing. Allele origin: germline. Affected: yes. Observed: 1 variant allele.
Comment: BSN: BS2